The following is an entry in ClinVar:

ClinVar aggregate classification (germline): Uncertain significance. Review status: criteria provided, multiple submitters, no conflicts (2 of 4 stars). 11 submissions from 9 submitters: Uncertain significance (11). Last evaluated 2026-05-11.

Conditions:
Amyotrophic lateral sclerosis type 5 (ALS5). Also called: AMYOTROPHIC LATERAL SCLEROSIS 5, JUVENILE. Identifiers: Orphanet 300605, MedGen C1865864, MONDO:0011196, OMIM 602099.
Charcot-Marie-Tooth disease axonal type 2X. Also called: CHARCOT-MARIE-TOOTH DISEASE, AXONAL, AUTOSOMAL RECESSIVE, TYPE 2X; CHARCOT-MARIE-TOOTH NEUROPATHY, TYPE 2X. Identifiers: Orphanet 466775, MedGen C5569024, MONDO:0014726, OMIM 616668.
Hereditary spastic paraplegia 11. Also called: SPASTIC PARAPLEGIA, AUTOSOMAL RECESSIVE, COMPLICATED, WITH THIN CORPUS CALLOSUM; SPASTIC PARAPLEGIA, AUTOSOMAL RECESSIVE, WITH MENTAL IMPAIRMENT AND THIN CORPUS CALLOSUM; Spastic Paraplegia 11; Nakamura Osame syndrome; Autosomal recessive hereditary spastic paraplegia, mental impairment, and thin corpus callosum; Spastic paraplegia, mental retardation and thin corpus callosum. Identifiers: Orphanet 2822, MedGen C1858479, MONDO:0011445, OMIM 604360.
SPG11-related disorder. Also called: SPG11-related condition.
Inborn genetic diseases. Identifiers: MedGen C0950123, MeSH D030342.

Allele frequency attached by ClinVar (database versions not stated): gnomAD 0.00003 and 0.00004; gnomAD exomes 0.00006 and 0.00007; TOPMed 0.00006; ExAC 0.00008.
gnomAD v4.1: 87 of 1,613,676 alleles (0.0054%); highest among the groups gnomAD compares: Middle Eastern, 0.12%; no homozygotes.

Submissions (12):

PreventionGenetics, part of Exact Sciences
Classification: Uncertain significance for SPG11-related condition. Last evaluated: 2026-05-11. Review status: criteria provided, single submitter. Criteria: ACMG Guidelines, 2015. Collection method: clinical testing. Allele origin: germline.
Comment: The SPG11 c.2003A>G variant is predicted to result in the amino acid substitution p.Tyr668Cys. To our knowledge, this variant has not been reported in the literature. This variant is reported in 0.012% of alleles in individuals of Latino descent in gnomAD. At this time, the clinical significance of this variant is uncertain due to the absence of conclusive functional and genetic evidence.

CeGaT Center for Human Genetics Tuebingen
Classification: Uncertain significance. Last evaluated: 2026-01-01. Review status: criteria provided, single submitter. Criteria: CeGaT Center For Human Genetics Tuebingen Variant Classification Criteria Version 2. Collection method: clinical testing. Allele origin: germline. Affected: yes. Observed: 1 variant allele.
Comment: SPG11: PM2, BP4

Ambry Genetics
Classification: Uncertain significance for Inborn genetic diseases. Last evaluated: 2025-08-29. Review status: criteria provided, single submitter. Criteria: Ambry Variant Classification Scheme 2023. Collection method: clinical testing. Allele origin: germline.

Labcorp Genetics (formerly Invitae), Labcorp
Classification: Uncertain significance for Hereditary spastic paraplegia 11. Last evaluated: 2022-10-05. Review status: criteria provided, single submitter. Criteria: Invitae Variant Classification Sherloc (09022015). Collection method: clinical testing. Allele origin: germline.
Comment: This sequence change replaces tyrosine, which is neutral and polar, with cysteine, which is neutral and slightly polar, at codon 668 of the SPG11 protein (p.Tyr668Cys). This variant is present in population databases (rs764762491, gnomAD 0.01%). This variant has not been reported in the literature in individuals affected with SPG11-related conditions. ClinVar contains an entry for this variant (Variation ID: 566380). Advanced modeling of protein sequence and biophysical properties (such as structural, functional, and spatial information, amino acid conservation, physicochemical variation, residue mobility, and thermodynamic stability) performed at Invitae indicates that this missense variant is not expected to disrupt SPG11 protein function. In summary, the available evidence is currently insufficient to determine the role of this variant in disease. Therefore, it has been classified as a Variant of Uncertain Significance.

Victorian Clinical Genetics Services, Murdoch Childrens Research Institute
Classification: Uncertain significance for Hereditary spastic paraplegia 11. Last evaluated: 2022-02-02. Review status: criteria provided, single submitter. Criteria: ACMG Guidelines, 2015. Collection method: clinical testing. Allele origin: germline. Inheritance: Autosomal recessive inheritance. Affected: yes.
Comment: Based on the classification scheme VCGS_Germline_v1.3.4, this variant is classified as VUS-3B. Following criteria are met: 0102 - Loss of function is a known mechanism of disease in this gene and is associated with juvenile amyotrophic lateral sclerosis 5 (MIM#602099), Charcot-Marie-Tooth disease, axonal, type 2X (MIM#616668) and spastic paraplegia 11 (MIM#604360). The genotype-phenotype correlation is currently unestablished. (I) 0106 - This gene is associated with autosomal recessive disease. (I) 0200 - Variant is predicted to result in a missense amino acid change from tyrosine to cysteine. (I) 0251 - This variant is heterozygous. (I) 0304 - Variant is present in gnomAD <0.01 for a recessive condition (v2: 17 heterozygotes, 0 homozygotes). (SP) 0504 - Same amino acid change has been observed in placental mammals. (SB) 0604 - Variant is not located in an established domain, motif, hotspot or informative constraint region. (I) 0705 - No comparable missense variants have previous evidence for pathogenicity. (I) 0809 - Previous evidence of pathogenicity for this variant is inconclusive. It has been classified as a VUS by diagnostic laboratories in ClinVar. (I) 0905 - No published segregation evidence has been identified for this variant. (I) 1007 - No published functional evidence has been identified for this variant. (I) 1208 - Inheritance information for this variant is not currently available in this individual. (I) Legend: (SP) - Supporting pathogenic, (I) - Information, (SB) - Supporting benign

Fulgent Genetics
Classification: Uncertain significance for Amyotrophic lateral sclerosis type 5; Hereditary spastic paraplegia 11; Charcot-Marie-Tooth disease axonal type 2X. Last evaluated: 2022-01-31. Review status: criteria provided, single submitter. Criteria: ACMG Guidelines, 2015. Collection method: clinical testing. Allele origin: unknown.

Mayo Clinic Laboratories, Mayo Clinic
Classification: Uncertain significance. Last evaluated: 2019-12-20. Review status: criteria provided, single submitter. Criteria: ACMG Guidelines, 2015. Collection method: clinical testing. Allele origin: germline. Observed: 1 variant allele.

Breakthrough Genomics
Classification: Uncertain significance. Review status: criteria provided, single submitter. Criteria: ACMG Guidelines, 2015. Collection method: not provided. Allele origin: germline. Inheritance: Autosomal recessive inheritance. Affected: yes.

Genome-Nilou Lab
Classification: Uncertain significance for Amyotrophic lateral sclerosis type 5. Review status: criteria provided, single submitter. Criteria: ACMG Guidelines, 2015. Collection method: clinical testing. Allele origin: germline.

Genome-Nilou Lab
Classification: Uncertain significance for Charcot-Marie-Tooth disease axonal type 2X. Review status: criteria provided, single submitter. Criteria: ACMG Guidelines, 2015. Collection method: clinical testing. Allele origin: germline.

Genome-Nilou Lab
Classification: Uncertain significance for Hereditary spastic paraplegia 11. Review status: criteria provided, single submitter. Criteria: ACMG Guidelines, 2015. Collection method: clinical testing. Allele origin: germline.

Dr. Peter K. Rogan Lab, Western University
No classification provided (evidence only). Condition: Colorectal cancer. Review status: no classification provided. Collection method: in vitro. Allele origin: not applicable. Functional consequence: retained intron. Not counted in ClinVar's aggregate classification.

NM_025137.4(SPG11):c.2003A>G (p.Tyr668Cys)

Gene: SPG11 (SPG11 vesicle trafficking associated, spatacsin; minus strand). Cytogenetic location: 15q21.1.
Variant type: single nucleotide variant.
Coding change: c.2003A>G on transcript NM_025137.4 (MANE Select); coding-DNA position 2003, A replaced by G.
Protein change: p.Tyr668Cys; replaces tyrosine 668 with cysteine.
Molecular consequence: missense variant.
Genome position (GRCh38, 1-based): chr15:44,628,733, T>C on the plus strand (A>G on the coding strand, the complement: SPG11 is on the minus strand). VCF-style: chr15-44628733-T-C. GRCh37 (hg19) VCF-style: chr15-44920931-T-C.
Other names: c.2003A>G, p.Tyr668Cys (NM_001160227.2); short protein forms Y668C.
Identifiers: ClinVar variation 566380 (VCV000566380.24), dbSNP rs764762491, ClinGen allele CA7535374.